The following is an entry in ClinVar:

NM_145168.3(SDR42E1):c.235A>G (p.Ile79Val)

Gene: SDR42E1 (short chain dehydrogenase/reductase family 42E, member 1; minus strand). Cytogenetic location: 16q23.3.
Variant type: single nucleotide variant.
Coding change: c.235A>G on transcript NM_145168.3 (MANE Select); coding-DNA position 235, A replaced by G.
Protein change: p.Ile79Val; replaces isoleucine 79 with valine.
Molecular consequence: missense variant.
Genome position (GRCh38, 1-based): chr16:82,000,058, T>C on the plus strand (A>G on the coding strand, the complement: SDR42E1 is on the minus strand). VCF-style: chr16-82000058-T-C. GRCh37 (hg19) VCF-style: chr16-82033663-T-C.
Other names: short protein forms I79V.
Identifiers: ClinVar variation 4581668 (VCV004581668.1).

ClinVar aggregate classification (germline): Uncertain significance (1 of 4 stars; one submission).

gnomAD v4.1: 2 of 1,614,206 alleles (0.00012%); highest among the groups gnomAD compares: Admixed American, 0.0017%; no homozygotes.

Submission:

Ambry Genetics
Classification: Uncertain significance. Last evaluated: 2025-09-25. Review status: criteria provided, single submitter. Criteria: Ambry Variant Classification Scheme 2023. Collection method: clinical testing. Allele origin: germline.
Comment: The c.235A>G (p.I79V) alteration is located in exon 3 (coding exon 2) of the SDR42E1 gene. This alteration results from a A to G substitution at nucleotide position 235, causing the isoleucine (I) at amino acid position 79 to be replaced by a valine (V). Based on data from gnomAD, the G allele has an overall frequency of <0.001% (1/249578) total alleles studied. The highest observed frequency was 0.003% (1/34528) of Latino alleles. Based on insufficient or conflicting evidence, the clinical significance of this alteration remains unclear.